The following is an entry in ClinVar:

ClinVar aggregate classification (germline): Uncertain significance (1 of 4 stars; one submission).

Allele frequency attached by ClinVar (database versions not stated): gnomAD 0.00001; gnomAD exomes 0.00001; TOPMed 0.00001.
gnomAD v4.1: 4 of 1,613,920 alleles (0.00025%); highest among the groups gnomAD compares: East Asian, 0.0045%; no homozygotes.

Submission:

Labcorp Genetics (formerly Invitae), Labcorp
Classification: Uncertain significance. Last evaluated: 2025-12-16. Review status: criteria provided, single submitter. Criteria: Invitae Variant Classification Sherloc (09022015). Collection method: clinical testing. Allele origin: germline.
Comment: This sequence change replaces arginine, which is basic and polar, with glutamine, which is neutral and polar, at codon 426 of the LRP6 protein (p.Arg426Gln). This variant is not present in population databases (gnomAD no frequency). This variant has not been reported in the literature in individuals affected with LRP6-related conditions. ClinVar contains an entry for this variant (Variation ID: 2793595). Invitae Evidence Modeling of protein sequence and biophysical properties (such as structural, functional, and spatial information, amino acid conservation, physicochemical variation, residue mobility, and thermodynamic stability) indicates that this missense variant is expected to disrupt LRP6 protein function with a positive predictive value of 80%. In summary, the available evidence is currently insufficient to determine the role of this variant in disease. Therefore, it has been classified as a Variant of Uncertain Significance.

NM_002336.3(LRP6):c.1277G>A (p.Arg426Gln)

Gene: LRP6 (LDL receptor related protein 6; minus strand). Cytogenetic location: 12p13.2.
Variant type: single nucleotide variant.
Coding change: c.1277G>A on transcript NM_002336.3 (MANE Select); coding-DNA position 1277, G replaced by A.
Protein change: p.Arg426Gln; replaces arginine 426 with glutamine.
Molecular consequence: missense variant. On other transcripts: non-coding transcript variant (1).
Genome position (GRCh38, 1-based): chr12:12,181,139, C>T on the plus strand (G>A on the coding strand, the complement: LRP6 is on the minus strand). VCF-style: chr12-12181139-C-T. GRCh37 (hg19) VCF-style: chr12-12334073-C-T.
Other names: c.1277G>A, p.Arg426Gln (NM_001414244.1, NM_001414245.1, NM_001414246.1 and 5 more transcripts); c.1079G>A, p.Arg360Gln (NM_001414247.1); c.824G>A, p.Arg275Gln (NM_001414252.1, NM_001414253.1, NM_001414254.1); short protein forms R275Q, R360Q, R426Q.
Identifiers: ClinVar variation 2793595 (VCV002793595.3), dbSNP rs1187307515, ClinGen allele CA383950592.